The following is an entry in ClinVar:

ClinVar aggregate classification (germline): Conflicting classifications of pathogenicity. Review status: criteria provided, conflicting classifications (1 of 4 stars). 4 submissions from 4 submitters: Uncertain significance (3); Likely benign (1). Last evaluated 2025-09-10.

Conditions:
Neuroblastoma, susceptibility to, 1. Identifiers: MedGen C2749485, MONDO:0009741, OMIM 256700.
Charcot-Marie-Tooth disease type 2A1. Also called: CHARCOT-MARIE-TOOTH NEUROPATHY, TYPE 2A1; HEREDITARY MOTOR AND SENSORY NEUROPATHY IIA1; CHARCOT-MARIE-TOOTH DISEASE, AXONAL, TYPE 2A1; CHARCOT-MARIE-TOOTH DISEASE, AXONAL, AUTOSOMAL DOMINANT, TYPE 2A1; CHARCOT-MARIE-TOOTH DISEASE, NEURONAL, TYPE 2A1. Identifiers: Orphanet 99946, MedGen C1861678, MONDO:0007308, OMIM 118210.
Charcot-Marie-Tooth disease type 2. Also called: Charcot-Marie-Tooth type 2. Identifiers: Orphanet 64746, MedGen C0270914, MONDO:0018993.
Neuroblastoma (NB). Identifiers: Orphanet 635, MedGen C0027819, MeSH D009447, MONDO:0005072, HP:0003006.

Allele frequency attached by ClinVar (database versions not stated): ExAC 0.00002; gnomAD 0.00003 and 0.00004; gnomAD exomes 0.00004 and 0.00002; TOPMed 0.00006.
gnomAD v4.1: 70 of 1,613,902 alleles (0.0043%); highest among the groups gnomAD compares: African/African-American, 0.0067%; 1 homozygote.

Submissions (4):

Ambry Genetics
Classification: Uncertain significance. Last evaluated: 2025-09-10. Review status: criteria provided, single submitter. Criteria: Ambry Variant Classification Scheme 2023. Collection method: clinical testing. Allele origin: germline.
Comment: The p.G1382S variant (also known as c.4144G>A), located in coding exon 37 of the KIF1B gene, results from a G to A substitution at nucleotide position 4144. The glycine at codon 1382 is replaced by serine, an amino acid with similar properties. This amino acid position is highly conserved in available vertebrate species. In addition, the in silico prediction for this alteration is inconclusive. Since supporting evidence is limited at this time, the clinical significance of this alteration remains unclear.

Labcorp Genetics (formerly Invitae), Labcorp
Classification: Uncertain significance for Charcot-Marie-Tooth disease type 2. Last evaluated: 2025-08-10. Review status: criteria provided, single submitter. Criteria: Invitae Variant Classification Sherloc (09022015). Collection method: clinical testing. Allele origin: germline.
Comment: This sequence change replaces glycine, which is neutral and non-polar, with serine, which is neutral and polar, at codon 1382 of the KIF1B protein (p.Gly1382Ser). This variant is present in population databases (rs754234374, gnomAD 0.01%). This variant has not been reported in the literature in individuals affected with KIF1B-related conditions. ClinVar contains an entry for this variant (Variation ID: 875167). An algorithm developed to predict the effect of missense changes on protein structure and function (PolyPhen-2) suggests that this variant is likely to be disruptive. In summary, the available evidence is currently insufficient to determine the role of this variant in disease. Therefore, it has been classified as a Variant of Uncertain Significance.

Fulgent Genetics
Classification: Uncertain significance for Charcot-Marie-Tooth disease type 2A1; Neuroblastoma, susceptibility to, 1. Last evaluated: 2024-06-19. Review status: criteria provided, single submitter. Criteria: ACMG Guidelines, 2015. Collection method: clinical testing. Allele origin: germline.

Illumina Laboratory Services, Illumina
Classification: Likely benign for Neuroblastoma. Last evaluated: 2018-01-13. Review status: criteria provided, single submitter. Criteria: ICSL Variant Classification Criteria 13 December 2019. Collection method: clinical testing. Allele origin: germline.
Comment: This variant was observed in the ICSL laboratory as part of a predisposition screen in an ostensibly healthy population. It had not been previously curated by ICSL or reported in the Human Gene Mutation Database (HGMD: prior to June 1st, 2018), and was therefore a candidate for classification through an automated scoring system. Utilizing variant allele frequency, disease prevalence and penetrance estimates, and inheritance mode, an automated score was calculated to assess if this variant is too frequent to cause the disease. Based on the score and internal cut-off values, a variant classified as likely benign is not then subjected to further curation. The score for this variant resulted in a classification of likely benign for this disease.

NM_001365951.3(KIF1B):c.4282G>A (p.Gly1428Ser)

Gene: KIF1B (kinesin family member 1B; plus strand). Cytogenetic location: 1p36.22.
Variant type: single nucleotide variant.
Coding change: c.4282G>A on transcript NM_001365951.3 (MANE Select); coding-DNA position 4282, G replaced by A.
Protein change: p.Gly1428Ser; replaces glycine 1428 with serine.
Molecular consequence: missense variant.
Genome position (GRCh38, 1-based): chr1:10,361,803, G>A. VCF-style: chr1-10361803-G-A. GRCh37 (hg19) VCF-style: chr1-10421861-G-A.
Other names: c.4282G>A, p.Gly1428Ser (NM_001365952.1); c.4144G>A, p.Gly1382Ser (NM_015074.3); short protein forms G1382S, G1428S.
Identifiers: ClinVar variation 875167 (VCV000875167.16), dbSNP rs754234374, ClinGen allele CA582026.
Genomic context (GRCh38, chr1:10,361,803, plus strand): 5'-TTCTACTCCCGAGATGCCAAGATCTCACCACCACGCTCTCTGCGTAGCCTCTTTGGCAGC[G>A]GCTACTCAAAGTCACCAGATTCGTAAGTTTTTCACACAAGTTAGCTTCCAGTGTGTTTGT-3'
Protein context (NP_001352880.1, residues 1418-1438): PRSLRSLFGS[Gly1428Ser]YSKSPDSNRV